The following is an entry in ClinVar:

NM_001371986.1(UNC80):c.3304C>A (p.Leu1102Ile)

Gene: UNC80 (unc-80 homolog, NALCN channel complex subunit; plus strand). Cytogenetic location: 2q34.
Variant type: single nucleotide variant.
Coding change: c.3304C>A on transcript NM_001371986.1 (MANE Select); coding-DNA position 3304, C replaced by A.
Protein change: p.Leu1102Ile; replaces leucine 1102 with isoleucine.
Molecular consequence: missense variant.
Genome position (GRCh38, 1-based): chr2:209,840,595, C>A. VCF-style: chr2-209840595-C-A. GRCh37 (hg19) VCF-style: chr2-210705319-C-A.
Other names: c.3310C>A, p.Leu1104Ile (NM_032504.2); c.3295C>A, p.Leu1099Ile (NM_182587.4); short protein forms L1099I, L1102I, L1104I.
Identifiers: ClinVar variation 2074782 (VCV002074782.1), dbSNP rs909966679, ClinGen allele CA65031976.

ClinVar aggregate classification (germline): Uncertain significance (1 of 4 stars; one submission).

Allele frequency attached by ClinVar (database versions not stated): gnomAD exomes below 0.00001; TOPMed 0.00002.
gnomAD v4.1: 10 of 1,551,790 alleles (0.00064%); highest among the groups gnomAD compares: Admixed American, 0.0059%; no homozygotes.

Submission:

Labcorp Genetics (formerly Invitae), Labcorp
Classification: Uncertain significance. Last evaluated: 2022-05-08. Review status: criteria provided, single submitter. Criteria: Invitae Variant Classification Sherloc (09022015). Collection method: clinical testing. Allele origin: germline.
Comment: This sequence change replaces leucine, which is neutral and non-polar, with isoleucine, which is neutral and non-polar, at codon 1104 of the UNC80 protein (p.Leu1104Ile). This variant is present in population databases (no rsID available, gnomAD 0.01%). This variant has not been reported in the literature in individuals affected with UNC80-related conditions. Algorithms developed to predict the effect of missense changes on protein structure and function are either unavailable or do not agree on the potential impact of this missense change (SIFT: "Not Available"; PolyPhen-2: "Probably Damaging"; Align-GVGD: "Not Available"). In summary, the available evidence is currently insufficient to determine the role of this variant in disease. Therefore, it has been classified as a Variant of Uncertain Significance.